The following is an entry in ClinVar:

NM_000540.3(RYR1):c.8068-35C>T

Gene: RYR1 (ryanodine receptor 1; plus strand). Cytogenetic location: 19q13.2.
Variant type: single nucleotide variant.
Coding change: c.8068-35C>T on transcript NM_000540.3 (MANE Select); 35 bases into the intron before coding-DNA position 8068, C replaced by T.
Molecular consequence: intron variant.
Genome position (GRCh38, 1-based): chr19:38,504,713, C>T. VCF-style: chr19-38504713-C-T. GRCh37 (hg19) VCF-style: chr19-38995353-C-T.
Other names: c.8068-35C>T (NM_001042723.2).
Identifiers: ClinVar variation 256571 (VCV000256571.5), dbSNP rs200793331, ClinGen allele CA071424.

ClinVar aggregate classification (germline): Likely benign. Review status: criteria provided, multiple submitters, no conflicts (2 of 4 stars). 3 submissions from 3 submitters: Likely benign (3). Last evaluated 2018-06-19.

Allele frequency attached by ClinVar (database versions not stated): gnomAD exomes 0.00080 and 0.00213; ExAC 0.00208; TOPMed 0.00511; gnomAD 0.00525 and 0.00502; 1000 Genomes Project 0.00499.
gnomAD v4.1: 1,878 of 1,569,060 alleles (0.12%); highest among the groups gnomAD compares: African/African-American, 1.6%; 9 homozygotes.

Submissions (3):

GeneDx
Classification: Likely benign. Last evaluated: 2018-06-19. Review status: criteria provided, single submitter. Criteria: GeneDx Variant Classification (06012015). Collection method: clinical testing. Allele origin: germline. Affected: yes.
Comment: This variant is considered likely benign or benign based on one or more of the following criteria: it is a conservative change, it occurs at a poorly conserved position in the protein, it is predicted to be benign by multiple in silico algorithms, and/or has population frequency not consistent with disease.

Breakthrough Genomics
Classification: Likely benign. Review status: criteria provided, single submitter. Criteria: ACMG Guidelines, 2015. Collection method: not provided. Allele origin: germline. Inheritance: Autosomal recessive inheritance. Affected: yes.

PreventionGenetics, part of Exact Sciences
Classification: Likely benign. Review status: criteria provided, single submitter. Criteria: ACMG Guidelines, 2015. Collection method: clinical testing. Allele origin: germline.